The following is an entry in ClinVar:

NM_003079.5(SMARCE1):c.26C>T (p.Pro9Leu)

Gene: SMARCE1 (SWI/SNF related BAF chromatin remodeling complex subunit E1; minus strand). Cytogenetic location: 17q21.2.
Variant type: single nucleotide variant.
Coding change: c.26C>T on transcript NM_003079.5 (MANE Select); coding-DNA position 26, C replaced by T.
Protein change: p.Pro9Leu; replaces proline 9 with leucine.
Molecular consequence: missense variant.
Genome position (GRCh38, 1-based): chr17:40,645,601, G>A on the plus strand (C>T on the coding strand, the complement: SMARCE1 is on the minus strand). VCF-style: chr17-40645601-G-A. GRCh37 (hg19) VCF-style: chr17-38801853-G-A.
Other names: short protein forms P9L.
Identifiers: ClinVar variation 1416311 (VCV001416311.10), dbSNP rs1415603265, ClinGen allele CA399370978.

ClinVar aggregate classification (germline): Conflicting classifications of pathogenicity. Review status: criteria provided, conflicting classifications (1 of 4 stars). 3 submissions from 3 submitters: Uncertain significance (2); Likely benign (1). Last evaluated 2025-08-26.

Conditions:
Familial meningioma. Also called: Meningioma, familial, susceptibility to. Identifiers: Orphanet 263662, MedGen C3551915, MONDO:0011789, OMIM 607174.
Hereditary cancer-predisposing syndrome. Also called: Hereditary Cancer Syndrome; Tumor predisposition; Hereditary neoplastic syndrome; Neoplastic Syndromes, Hereditary. Identifiers: Orphanet 140162, MedGen C0027672, MeSH D009386, MONDO:0015356.

Allele frequency attached by ClinVar (database versions not stated): TOPMed below 0.00001; gnomAD 0.00001.

Submissions (3):

Ambry Genetics
Classification: Likely benign for Hereditary cancer-predisposing syndrome. Last evaluated: 2025-08-26. Review status: criteria provided, single submitter. Criteria: Ambry Variant Classification Scheme 2023. Collection method: clinical testing. Allele origin: germline.

Labcorp Genetics (formerly Invitae), Labcorp
Classification: Uncertain significance for Familial meningioma. Last evaluated: 2025-07-10. Review status: criteria provided, single submitter. Criteria: Invitae Variant Classification Sherloc (09022015). Collection method: clinical testing. Allele origin: germline.
Comment: This sequence change replaces proline, which is neutral and non-polar, with leucine, which is neutral and non-polar, at codon 9 of the SMARCE1 protein (p.Pro9Leu). This variant is present in population databases (no rsID available, gnomAD 0.01%). This variant has not been reported in the literature in individuals affected with SMARCE1-related conditions. ClinVar contains an entry for this variant (Variation ID: 1416311). An algorithm developed to predict the effect of missense changes on protein structure and function (PolyPhen-2) suggests that this variant is likely to be disruptive. In summary, the available evidence is currently insufficient to determine the role of this variant in disease. Therefore, it has been classified as a Variant of Uncertain Significance.

GeneDx
Classification: Uncertain significance. Last evaluated: 2022-08-18. Review status: criteria provided, single submitter. Criteria: GeneDx Variant Classification Process June 2021. Collection method: clinical testing. Allele origin: germline. Affected: yes.
Comment: In silico analysis supports that this missense variant has a deleterious effect on protein structure/function; Has not been previously published as pathogenic or benign to our knowledge